The following is an entry in ClinVar:

NM_001849.4(COL6A2):c.2950G>A (p.Val984Met)

Gene: COL6A2 (collagen type VI alpha 2 chain; plus strand). Cytogenetic location: 21q22.3.
Variant type: single nucleotide variant.
Coding change: c.2950G>A on transcript NM_001849.4 (MANE Select); coding-DNA position 2950, G replaced by A.
Protein change: p.Val984Met; replaces valine 984 with methionine.
Molecular consequence: missense variant.
Genome position (GRCh38, 1-based): chr21:46,132,442, G>A. VCF-style: chr21-46132442-G-A. GRCh37 (hg19) VCF-style: chr21-47552356-G-A.
Other names: short protein forms V984M.
Identifiers: ClinVar variation 286234 (VCV000286234.14), dbSNP rs752700701, ClinGen allele CA10073112.
Genomic context (GRCh38, chr21:46,132,442, plus strand): 5'-ATGCGCAAGCAGAACGTGGTACCCACCGTGCTGGCCTTGGGCAGCGACGTGGACATGGAC[G>A]TGCTCACCACGCTCAGCCTGGGTGACCGCGCCGCCGTGTTCCACGAGAAGGACTATGACA-3'
Protein context (NP_001840.3, residues 974-994): LALGSDVDMD[Val984Met]LTTLSLGDRA

ClinVar aggregate classification (germline): Uncertain significance. Review status: criteria provided, multiple submitters, no conflicts (2 of 4 stars). 3 submissions from 3 submitters: Uncertain significance (3). Last evaluated 2026-08-01.

Conditions:
Bethlem myopathy 1A. Also called: Bethlem Muscular Dystrophy; MYOPATHY, BENIGN CONGENITAL, WITH CONTRACTURES; Bethlem myopathy 1. Identifiers: Orphanet 610, MedGen CN029274, MONDO:0024530, OMIM 158810.

Allele frequency attached by ClinVar (database versions not stated): gnomAD 0.00002 and 0.00003; ExAC 0.00004; TOPMed 0.00004; 1000 Genomes Project 30x 0.00016.
gnomAD v4.1: 68 of 1,606,622 alleles (0.0042%); highest among the groups gnomAD compares: Middle Eastern, 0.017%; no homozygotes.

Submissions (3):

CeGaT Center for Human Genetics Tuebingen
Classification: Uncertain significance. Last evaluated: 2026-08-01. Review status: criteria provided, single submitter. Criteria: CeGaT Center For Human Genetics Tuebingen Variant Classification Criteria Version 2. Collection method: clinical testing. Allele origin: germline. Affected: yes. Observed: 1 variant allele.
Comment: COL6A2: PM2

Labcorp Genetics (formerly Invitae), Labcorp
Classification: Uncertain significance for Bethlem myopathy 1A. Last evaluated: 2025-10-21. Review status: criteria provided, single submitter. Criteria: Invitae Variant Classification Sherloc (09022015). Collection method: clinical testing. Allele origin: germline.
Comment: This sequence change replaces valine, which is neutral and non-polar, with methionine, which is neutral and non-polar, at codon 984 of the COL6A2 protein (p.Val984Met). This variant is present in population databases (rs752700701, gnomAD 0.01%). This missense change has been observed in individual(s) with clinical features of limb-girdle muscular dystrophy (PMID: 30564623). ClinVar contains an entry for this variant (Variation ID: 286234). Invitae Evidence Modeling of protein sequence and biophysical properties (such as structural, functional, and spatial information, amino acid conservation, physicochemical variation, residue mobility, and thermodynamic stability) indicates that this missense variant is expected to disrupt COL6A2 protein function with a positive predictive value of 80%. In summary, the available evidence is currently insufficient to determine the role of this variant in disease. Therefore, it has been classified as a Variant of Uncertain Significance.

Eurofins Ntd Llc (ga)
Classification: Uncertain significance. Last evaluated: 2017-05-25. Review status: criteria provided, single submitter. Criteria: EGL Classification Definitions 2015. Collection method: clinical testing. Allele origin: germline. Observed: 3 variant alleles, 3 heterozygotes.

Literature cited by the submitters: PubMed 30564623 (cited by Labcorp Genetics (formerly Invitae), Labcorp).